The following is an entry in ClinVar:

NM_000334.4(SCN4A):c.4693A>G (p.Lys1565Glu)

Genes: GH-LCR (growth hormone locus control region; plus strand), SCN4A (sodium voltage-gated channel alpha subunit 4; minus strand). Cytogenetic location: 17q23.3.
Variant type: single nucleotide variant.
Coding change: c.4693A>G on transcript NM_000334.4 (MANE Select); coding-DNA position 4693, A replaced by G.
Protein change: p.Lys1565Glu; replaces lysine 1565 with glutamic acid.
Molecular consequence: missense variant.
Genome position (GRCh38, 1-based): chr17:63,941,589, T>C on the plus strand (A>G on the coding strand, the complement: SCN4A is on the minus strand). VCF-style: chr17-63941589-T-C. GRCh37 (hg19) VCF-style: chr17-62018949-T-C.
Other names: short protein forms K1565E.
Identifiers: ClinVar variation 1061874 (VCV001061874.9), dbSNP rs1432251380, ClinGen allele CA400615402.

ClinVar aggregate classification (germline): Uncertain significance (1 of 4 stars; one submission).

Conditions:
Hyperkalemic periodic paralysis. Also called: Familial hyperkalemic periodic paralysis; Gamstorp disease. Identifiers: Orphanet 682, MedGen C0238357, MONDO:0008224, OMIM 170500, HP:0007215.

Allele frequency attached by ClinVar (database versions not stated): gnomAD exomes below 0.00001; TOPMed 0.00001.

Submission:

Labcorp Genetics (formerly Invitae), Labcorp
Classification: Uncertain significance for Hyperkalemic periodic paralysis. Last evaluated: 2025-06-12. Review status: criteria provided, single submitter. Criteria: Invitae Variant Classification Sherloc (09022015). Collection method: clinical testing. Allele origin: germline.
Comment: This sequence change replaces lysine, which is basic and polar, with glutamic acid, which is acidic and polar, at codon 1565 of the SCN4A protein (p.Lys1565Glu). This variant is not present in population databases (gnomAD no frequency). This variant has not been reported in the literature in individuals affected with SCN4A-related conditions. ClinVar contains an entry for this variant (Variation ID: 1061874). Invitae Evidence Modeling of protein sequence and biophysical properties (such as structural, functional, and spatial information, amino acid conservation, physicochemical variation, residue mobility, and thermodynamic stability) indicates that this missense variant is not expected to disrupt SCN4A protein function with a negative predictive value of 95%. In summary, the available evidence is currently insufficient to determine the role of this variant in disease. Therefore, it has been classified as a Variant of Uncertain Significance.